The following is an entry in ClinVar:

NM_006939.4(SOS2):c.2366T>C (p.Leu789Ser)

Gene: SOS2 (SOS Ras/Rho guanine nucleotide exchange factor 2; minus strand). Cytogenetic location: 14q21.3.
Variant type: single nucleotide variant.
Coding change: c.2366T>C on transcript NM_006939.4 (MANE Select); coding-DNA position 2366, T replaced by C.
Protein change: p.Leu789Ser; replaces leucine 789 with serine.
Molecular consequence: missense variant.
Genome position (GRCh38, 1-based): chr14:50,150,026, A>G on the plus strand (T>C on the coding strand, the complement: SOS2 is on the minus strand). VCF-style: chr14-50150026-A-G. GRCh37 (hg19) VCF-style: chr14-50616744-A-G.
Other names: c.2366T>C (NM_006939.3); short protein forms L789S.
Identifiers: ClinVar variation 639562 (VCV000639562.13), dbSNP rs142863840, ClinGen allele CA7177059.

ClinVar aggregate classification (germline): Conflicting classifications of pathogenicity. Review status: criteria provided, conflicting classifications (1 of 4 stars). 5 submissions from 5 submitters: Uncertain significance (1); Likely benign (3). 1 of the submissions does not count toward it. Last evaluated 2026-01-24.

Conditions:
Cardiovascular phenotype. Identifiers: MedGen CN230736.
Noonan syndrome 9 (NS9). Identifiers: Orphanet 648, MedGen C4225282, MONDO:0014691, OMIM 616559.
SOS2-related disorder. Also called: SOS2-related condition.

Allele frequency attached by ClinVar (database versions not stated): ESP Exome Variant Server 0.00015; gnomAD 0.00016 and 0.00018; TOPMed 0.00017; gnomAD exomes 0.00001 and 0.00004; ExAC 0.00005.
gnomAD v4.1: 42 of 1,609,946 alleles (0.0026%); highest among the groups gnomAD compares: African/African-American, 0.056%; no homozygotes.

Submissions (5):

Labcorp Genetics (formerly Invitae), Labcorp
Classification: Likely benign for Noonan syndrome 9. Last evaluated: 2026-01-24. Review status: criteria provided, single submitter. Criteria: Invitae Variant Classification Sherloc (09022015). Collection method: clinical testing. Allele origin: germline.

Ambry Genetics
Classification: Likely benign for Cardiovascular phenotype. Last evaluated: 2024-09-27. Review status: criteria provided, single submitter. Criteria: Ambry Variant Classification Scheme 2023. Collection method: clinical testing. Allele origin: germline.

Women's Health and Genetics/Laboratory Corporation of America, LabCorp
Classification: Likely benign. Last evaluated: 2023-05-18. Review status: criteria provided, single submitter. Criteria: LabCorp Variant Classification Summary - May 2015. Collection method: clinical testing. Allele origin: germline.

Fulgent Genetics
Classification: Uncertain significance for Noonan syndrome 9. Last evaluated: 2021-07-06. Review status: criteria provided, single submitter. Criteria: ACMG Guidelines, 2015. Collection method: clinical testing. Allele origin: unknown.

PreventionGenetics, part of Exact Sciences
Classification: Likely benign for SOS2-related condition. Last evaluated: 2022-05-17. Review status: no assertion criteria provided. Collection method: clinical testing. Allele origin: germline. Not counted in ClinVar's aggregate classification.
Comment: This variant is classified as likely benign based on ACMG/AMP sequence variant interpretation guidelines (Richards et al. 2015 PMID: 25741868, with internal and published modifications).